The following is an entry in ClinVar:

NM_024120.5(NDUFAF5):c.582C>T (p.Leu194=)

Gene: NDUFAF5 (NADH:ubiquinone oxidoreductase complex assembly factor 5; plus strand). Cytogenetic location: 20p12.1.
Variant type: single nucleotide variant.
Coding change: c.582C>T on transcript NM_024120.5 (MANE Select); coding-DNA position 582, C replaced by T.
Protein change: p.Leu194=; no amino-acid change (leucine 194 retained).
Molecular consequence: synonymous variant. On other transcripts: non-coding transcript variant (7).
Genome position (GRCh38, 1-based): chr20:13,801,548, C>T. VCF-style: chr20-13801548-C-T. GRCh37 (hg19) VCF-style: chr20-13782194-C-T.
Other names: p.L194L:CTC>CTT; c.498C>T, p.Leu166= (NM_001039375.3); c.111C>T, p.Leu37= (NM_001352403.2); c.21C>T, p.Leu7= (NM_001352406.2, NM_001352407.2); c.582C>T, p.Leu194= (NM_001352408.2).
Identifiers: ClinVar variation 129694 (VCV000129694.24), dbSNP rs117002283, ClinGen allele CA288966.
Genomic context (GRCh38, chr20:13,801,548, plus strand): 5'-TCATTATATTTTAAAACCAGATGGAGTGTTTATCGGTGCAATGTTTGGAGGCGACACACT[C>T]TATGAACTTCGGTGTTCCTTACAGTTAGCGGAAACGGAAAGGGAAGGAGGATTTTCTCCA-3'
Protein context (NP_077025.2, residues 184-204): FIGAMFGGDT[Leu194=]YELRCSLQLA

ClinVar aggregate classification (germline): Benign/Likely benign. Review status: criteria provided, multiple submitters, no conflicts (2 of 4 stars). 8 submissions from 8 submitters: Benign (4); Likely benign (1). 3 of the submissions do not count toward it. Last evaluated 2026-02-04.

Conditions:
Leigh syndrome (NULS). Also called: Leigh Disease; Subacute necrotizing encephalopathy; Necrotizing encephalopathy infantile subacute of Leigh; Leigh's necrotizing encephalopathy; Leigh's disease; Leigh Syndrome (mtDNA deletion). Identifiers: Orphanet 506, MedGen C2931891, MONDO:0009723, OMIM 256000.
Mitochondrial complex I deficiency, nuclear type 16. Also called: Mitochondrial complex 1 deficiency, nuclear type 16. Identifiers: MedGen C4748785, MONDO:0032621, OMIM 618238.

Allele frequency attached by ClinVar (database versions not stated): 1000 Genomes Project 0.01058; 1000 Genomes Project 30x 0.01062; ESP Exome Variant Server 0.01492; TOPMed 0.01519; gnomAD 0.01653 and 0.01707; ExAC 0.01890.
gnomAD v4.1: 34,689 of 1,613,912 alleles (2.1%); highest among the groups gnomAD compares: Non-Finnish European, 2.5%; 439 homozygotes.

Submissions (8):

Labcorp Genetics (formerly Invitae), Labcorp
Classification: Benign. Last evaluated: 2026-02-04. Review status: criteria provided, single submitter. Criteria: Invitae Variant Classification Sherloc (09022015). Collection method: clinical testing. Allele origin: germline.

Blueprint Genetics
Classification: Likely benign. Last evaluated: 2024-11-28. Review status: criteria provided, single submitter. Criteria: ACMG Guidelines, 2015. Collection method: clinical testing. Allele origin: germline.

Genome-Nilou Lab
Classification: Benign for Mitochondrial complex I deficiency, nuclear type 16. Last evaluated: 2021-06-10. Review status: criteria provided, single submitter. Criteria: ACMG Guidelines, 2015. Collection method: clinical testing. Allele origin: germline. Affected: no.

GeneDx
Classification: Benign. Last evaluated: 2012-05-03. Review status: criteria provided, single submitter. Criteria: GeneDx Variant Classification (06012015). Collection method: clinical testing. Allele origin: germline. Affected: yes.
Comment: This variant is considered likely benign or benign based on one or more of the following criteria: it is a conservative change, it occurs at a poorly conserved position in the protein, it is predicted to be benign by multiple in silico algorithms, and/or has population frequency not consistent with disease.

Breakthrough Genomics
Classification: Benign. Review status: criteria provided, single submitter. Criteria: ACMG Guidelines, 2015. Collection method: not provided. Allele origin: germline. Inheritance: Autosomal recessive inheritance. Affected: yes.

Natera, Inc.
Classification: Benign for Leigh syndrome. Last evaluated: 2020-09-16. Review status: no assertion criteria provided. Collection method: clinical testing. Allele origin: germline. Not counted in ClinVar's aggregate classification.

Mayo Clinic Laboratories, Mayo Clinic
Classification: Benign. Last evaluated: 2016-02-29. Review status: no assertion criteria provided. Collection method: clinical testing. Allele origin: unknown. Not counted in ClinVar's aggregate classification.

Genetic Services Laboratory, University of Chicago
Classification: Likely benign for AllHighlyPenetrant. Review status: no assertion criteria provided. Collection method: clinical testing. Allele origin: germline. Inheritance: Autosomal recessive inheritance. Not counted in ClinVar's aggregate classification.
Comment: Likely benign based on allele frequency in 1000 Genomes Project or ESP global frequency and its presence in a patient with a rare or unrelated disease phenotype. NOT Sanger confirmed.